The following is an entry in ClinVar:

NM_152274.5(CCNQ):c.453C>T (p.Ser151=)

Gene: CCNQ (cyclin Q; minus strand). Cytogenetic location: Xq28.
Variant type: single nucleotide variant.
Coding change: c.453C>T on transcript NM_152274.5 (MANE Select); coding-DNA position 453, C replaced by T.
Protein change: p.Ser151=; no amino-acid change (serine 151 retained).
Molecular consequence: synonymous variant.
Genome position (GRCh38, 1-based): chrX:153,592,710, G>A on the plus strand (C>T on the coding strand, the complement: CCNQ is on the minus strand). VCF-style: chrX-153592710-G-A. GRCh37 (hg19) VCF-style: chrX-152858168-G-A.
Other names: c.453C>T, p.Ser151= (NM_001130997.3).
Identifiers: ClinVar variation 509623 (VCV000509623.1), dbSNP rs1557026101, ClinGen allele CA519214599.

ClinVar aggregate classification (germline): Likely benign (1 of 4 stars; one submission).

Allele frequency attached by ClinVar (database versions not stated): gnomAD exomes below 0.00001.
gnomAD v4.1: 2 of 1,210,844 alleles (0.00017%); highest among the groups gnomAD compares: South Asian, 0.0018%; no homozygotes.

Submission:

GeneDx
Classification: Likely benign. Last evaluated: 2017-05-23. Review status: criteria provided, single submitter. Criteria: GeneDx Variant Classification (06012015). Collection method: clinical testing. Allele origin: germline. Affected: yes.
Comment: This variant is considered likely benign or benign based on one or more of the following criteria: it is a conservative change, it occurs at a poorly conserved position in the protein, it is predicted to be benign by multiple in silico algorithms, and/or has population frequency not consistent with disease.